The following is an entry in ClinVar:

NM_001035.3(RYR2):c.4448G>C (p.Ser1483Thr)

Gene: RYR2 (ryanodine receptor 2; plus strand). Cytogenetic location: 1q43.
Variant type: single nucleotide variant.
Coding change: c.4448G>C on transcript NM_001035.3 (MANE Select); coding-DNA position 4448, G replaced by C.
Protein change: p.Ser1483Thr; replaces serine 1483 with threonine.
Molecular consequence: missense variant.
Genome position (GRCh38, 1-based): chr1:237,595,509, G>C. VCF-style: chr1-237595509-G-C. GRCh37 (hg19) VCF-style: chr1-237758809-G-C.
Other names: short protein forms S1483T.
Identifiers: ClinVar variation 2774293 (VCV002774293.3), dbSNP rs1304493454, ClinGen allele CA345400081.
Genomic context (GRCh38, chr1:237,595,509, plus strand): 5'-TCTTTTATCTGTGGTTGTACAAAGATAAAAATGTTCTTTTGAAATTCAGCATCAAACGCA[G>C]CAACTGCTATATGGTATGTGCGGGTGAGAGCATGAGCCCCGGGCAAGGACGCAACAATAA-3'
Protein context (NP_001026.2, residues 1473-1493): KGKVHESIKR[Ser1483Thr]NCYMVCAGES

ClinVar aggregate classification (germline): Uncertain significance. Review status: criteria provided, multiple submitters, no conflicts (2 of 4 stars). 2 submissions from 2 submitters: Uncertain significance (2). Last evaluated 2025-07-22.

Conditions:
Catecholaminergic polymorphic ventricular tachycardia 1. Also called: VENTRICULAR TACHYCARDIA, STRESS-INDUCED POLYMORPHIC 1; VENTRICULAR TACHYCARDIA, CATECHOLAMINERGIC POLYMORPHIC, 1, WITH OR WITHOUT ATRIAL DYSFUNCTION AND/OR DILATED CARDIOMYOPATHY; RYR2-Related Catecholaminergic Polymorphic Ventricular Tachycardia. Identifiers: Orphanet 3286, MedGen C1631597, MONDO:0011484, OMIM 604772.
Cardiomyopathy (CMYO). Also called: Cardiomyopathies. Identifiers: Orphanet 167848, MedGen C0878544, MONDO:0004994, HP:0001638. Inheritance: Various modes of inheritance.

Allele frequency attached by ClinVar (database versions not stated): gnomAD exomes below 0.00001; TOPMed below 0.00001.
gnomAD v4.1: 1 of 1,607,032 alleles (0.000062%); highest among the groups gnomAD compares: Admixed American, 0.0017%; no homozygotes.

Submissions (2):

Labcorp Genetics (formerly Invitae), Labcorp
Classification: Uncertain significance for Catecholaminergic polymorphic ventricular tachycardia 1. Last evaluated: 2025-07-22. Review status: criteria provided, single submitter. Criteria: Invitae Variant Classification Sherloc (09022015). Collection method: clinical testing. Allele origin: germline.
Comment: This sequence change replaces serine, which is neutral and polar, with threonine, which is neutral and polar, at codon 1483 of the RYR2 protein (p.Ser1483Thr). This variant is present in population databases (no rsID available, gnomAD 0.003%). This variant has not been reported in the literature in individuals affected with RYR2-related conditions. ClinVar contains an entry for this variant (Variation ID: 2774293). Invitae Evidence Modeling of protein sequence and biophysical properties (such as structural, functional, and spatial information, amino acid conservation, physicochemical variation, residue mobility, and thermodynamic stability) indicates that this missense variant is not expected to disrupt RYR2 protein function with a negative predictive value of 95%. In summary, the available evidence is currently insufficient to determine the role of this variant in disease. Therefore, it has been classified as a Variant of Uncertain Significance.

Color Diagnostics, LLC DBA Color Health
Classification: Uncertain significance for Cardiomyopathy. Last evaluated: 2024-03-07. Review status: criteria provided, single submitter. Criteria: ACMG Guidelines, 2015. Collection method: clinical testing. Allele origin: germline.
Comment: This missense variant replaces serine with threonine at codon 1483 of the RYR2 protein. Computational prediction suggests that this variant may not impact protein structure and function (internally defined REVEL score threshold <= 0.5, PMID: 27666373). To our knowledge, functional studies have not been reported for this variant. This variant has not been reported in individuals affected with cardiovascular disorders in the literature. This variant has been identified in 1/241108 chromosomes in the general population by the Genome Aggregation Database (gnomAD). The available evidence is insufficient to determine the role of this variant in disease conclusively. Therefore, this variant is classified as a Variant of Uncertain Significance.